The following is an entry in ClinVar:

NM_004991.4(MECOM):c.824T>G (p.Leu275Trp)

Gene: MECOM (MDS1 and EVI1 complex locus; minus strand). Cytogenetic location: 3q26.2.
Variant type: single nucleotide variant.
Coding change: c.824T>G on transcript NM_004991.4 (MANE Select); coding-DNA position 824, T replaced by G.
Protein change: p.Leu275Trp; replaces leucine 275 with tryptophan.
Molecular consequence: missense variant.
Genome position (GRCh38, 1-based): chr3:169,127,850, A>C on the plus strand (T>G on the coding strand, the complement: MECOM is on the minus strand). VCF-style: chr3-169127850-A-C. GRCh37 (hg19) VCF-style: chr3-168845638-A-C.
Other names: c.452T>G, p.Leu151Trp (NM_001105077.4); c.260T>G, p.Leu87Trp (NM_001105078.4, NM_001163999.2, NM_001164000.2 and 9 more transcripts); c.824T>G, p.Leu275Trp (NM_001366466.2, NM_001366473.2); short protein forms L151W, L87W, L275W.
Identifiers: ClinVar variation 4105880 (VCV004105880.1).
Genomic context (GRCh38, chr3:169,127,850, plus strand): 5'-ATAACATTGCAGAAAAAATACACAAGTTGTATGGTACAACATGCCATTTCTAACCTTTGC[A>C]AATCAGGAAAAACTTGGTCACATTCCTTACACTCCTGGATCGTGTGTATCTCTTGGAGAT-3'
Protein context (NP_004982.2, residues 265-285): CKECDQVFPD[Leu275Trp]QSLEKHMLSH

ClinVar aggregate classification (germline): Uncertain significance (1 of 4 stars; one submission).

Conditions:
Inborn genetic diseases. Identifiers: MedGen C0950123, MeSH D030342.

Submission:

Ambry Genetics
Classification: Uncertain significance for Inborn genetic diseases. Last evaluated: 2025-08-25. Review status: criteria provided, single submitter. Criteria: Ambry Variant Classification Scheme 2023. Collection method: clinical testing. Allele origin: germline.
Comment: The p.L275W variant (also known as c.824T>G), located in coding exon 5 of the MECOM gene, results from a T to G substitution at nucleotide position 824. The leucine at codon 275 is replaced by tryptophan, an amino acid with similar properties. This amino acid position is conserved. In addition, this alteration is predicted to be tolerated by in silico analysis. Based on the available evidence, the clinical significance of this variant remains unclear.